The following is an entry in ClinVar:

NM_001128178.3(NPHP1):c.1419A>G (p.Ile473Met)

Gene: NPHP1 (nephrocystin 1; minus strand). Cytogenetic location: 2q13.
Variant type: single nucleotide variant.
Coding change: c.1419A>G on transcript NM_001128178.3 (MANE Select); coding-DNA position 1419, A replaced by G.
Protein change: p.Ile473Met; replaces isoleucine 473 with methionine.
Molecular consequence: missense variant.
Genome position (GRCh38, 1-based): chr2:110,144,503, T>C on the plus strand (A>G on the coding strand, the complement: NPHP1 is on the minus strand). VCF-style: chr2-110144503-T-C. GRCh37 (hg19) VCF-style: chr2-110902080-T-C.
Other names: p.Ile529Met; c.1587A>G (NM_000272.4); c.1587A>G, p.Ile529Met (NM_000272.5); c.1230A>G, p.Ile410Met (NM_001128179.3); c.1416A>G, p.Ile472Met (NM_001374256.1); c.1419A>G, p.Ile473Met (NM_001374257.1); c.1584A>G, p.Ile528Met (NM_207181.4); short protein forms I529M, I473M, I410M, I528M, I472M.
Identifiers: ClinVar variation 501727 (VCV000501727.15), dbSNP rs147945403, ClinGen allele CA1827026.

ClinVar aggregate classification (germline): Conflicting classifications of pathogenicity. Review status: criteria provided, conflicting classifications (1 of 4 stars). 6 submissions from 6 submitters: Uncertain significance (2); Benign (1); Likely benign (2). 1 of the submissions does not count toward it. Last evaluated 2025-02-21.

Conditions:
NPHP1-related disorder. Also called: NPHP1-related condition; NPHP1-related disorders.
Nephronophthisis. Also called: Juvenile Nephronophthisis. Identifiers: Orphanet 655, MedGen C0687120, MONDO:0019005, HP:0000090.
Joubert syndrome with renal defect. Also called: JOUBERT SYNDROME 4. Identifiers: Orphanet 220497, MedGen C1846790, MONDO:0012308, OMIM 609583.
Nephronophthisis 1 (NPHP1). Also called: Nephronophthisis familial juvenile. Identifiers: Orphanet 655, Orphanet 93592, MedGen C1855681, MONDO:0009728, OMIM 256100.
Senior-Loken syndrome 1 (SLSN1). Also called: JUVENILE NEPHRONOPHTHISIS WITH LEBER AMAUROSIS. Identifiers: Orphanet 3156, MedGen C4551559, MONDO:0009962, OMIM 266900.

Allele frequency attached by ClinVar (database versions not stated): gnomAD exomes 0.00005 and 0.00011; ExAC 0.00017; gnomAD 0.00055 and 0.00059; 1000 Genomes Project 0.00060; 1000 Genomes Project 30x 0.00062; ESP Exome Variant Server 0.00062; TOPMed 0.00066.
gnomAD v4.1: 158 of 1,601,398 alleles (0.0099%); highest among the groups gnomAD compares: African/African-American, 0.2%; 1 homozygote.

Submissions (6):

Mayo Clinic Laboratories, Mayo Clinic
Classification: Likely benign. Last evaluated: 2025-02-21. Review status: criteria provided, single submitter. Criteria: ACMG Guidelines, 2015. Collection method: clinical testing. Allele origin: germline. Observed: 1 variant allele.
Comment: BS1, BP4_moderate

Labcorp Genetics (formerly Invitae), Labcorp
Classification: Uncertain significance for Nephronophthisis. Last evaluated: 2025-02-03. Review status: criteria provided, single submitter. Criteria: Invitae Variant Classification Sherloc (09022015). Collection method: clinical testing. Allele origin: germline.
Comment: This sequence change replaces isoleucine, which is neutral and non-polar, with methionine, which is neutral and non-polar, at codon 529 of the NPHP1 protein (p.Ile529Met). This variant is present in population databases (rs147945403, gnomAD 0.2%). This variant has not been reported in the literature in individuals affected with NPHP1-related conditions. ClinVar contains an entry for this variant (Variation ID: 501727). Invitae Evidence Modeling of protein sequence and biophysical properties (such as structural, functional, and spatial information, amino acid conservation, physicochemical variation, residue mobility, and thermodynamic stability) indicates that this missense variant is not expected to disrupt NPHP1 protein function with a negative predictive value of 80%. In summary, the available evidence is currently insufficient to determine the role of this variant in disease. Therefore, it has been classified as a Variant of Uncertain Significance.

Fulgent Genetics
Classification: Likely benign for Nephronophthisis 1; Senior-Loken syndrome 1; Joubert syndrome with renal defect. Last evaluated: 2024-05-24. Review status: criteria provided, single submitter. Criteria: ACMG Guidelines, 2015. Collection method: clinical testing. Allele origin: germline.

Blueprint Genetics
Classification: Benign. Last evaluated: 2022-10-06. Review status: criteria provided, single submitter. Criteria: ACMG Guidelines, 2015. Collection method: clinical testing. Allele origin: germline.

Eurofins Ntd Llc (ga)
Classification: Uncertain significance. Last evaluated: 2018-04-10. Review status: criteria provided, single submitter. Criteria: EGL ClinVar v180209 classification definitions. Collection method: clinical testing. Allele origin: germline. Observed: 3 variant alleles, 3 heterozygotes.

PreventionGenetics, part of Exact Sciences
Classification: Likely benign for NPHP1-related condition. Last evaluated: 2023-03-30. Review status: no assertion criteria provided. Collection method: clinical testing. Allele origin: germline. Not counted in ClinVar's aggregate classification.
Comment: This variant is classified as likely benign based on ACMG/AMP sequence variant interpretation guidelines (Richards et al. 2015 PMID: 25741868, with internal and published modifications).